The following is an entry in ClinVar:

NM_000836.4(GRIN2D):c.3370G>C (p.Ala1124Pro)

Gene: GRIN2D (glutamate ionotropic receptor NMDA type subunit 2D; plus strand). Cytogenetic location: 19q13.33.
Variant type: single nucleotide variant.
Coding change: c.3370G>C on transcript NM_000836.4 (MANE Select); coding-DNA position 3370, G replaced by C.
Protein change: p.Ala1124Pro; replaces alanine 1124 with proline.
Molecular consequence: missense variant.
Genome position (GRCh38, 1-based): chr19:48,443,296, G>C. VCF-style: chr19-48443296-G-C. GRCh37 (hg19) VCF-style: chr19-48946553-G-C.
Other names: short protein forms A1124P.
Identifiers: ClinVar variation 5037286 (VCV005037286.1).

ClinVar aggregate classification (germline): Uncertain significance (1 of 4 stars; one submission).

Submission:

GeneDx
Classification: Uncertain significance. Last evaluated: 2026-04-24. Review status: criteria provided, single submitter. Criteria: GeneDx Variant Classification Process June 2021. Collection method: clinical testing. Allele origin: germline.
Comment: Not observed at significant frequency in large population cohorts (gnomAD); In silico analysis suggests that this missense variant does not alter protein structure/function; Has not been previously published as pathogenic or benign to our knowledge